The following is an entry in ClinVar:

NM_000257.4(MYH7):c.2012G>A (p.Arg671His)

Gene: MYH7 (myosin heavy chain 7; minus strand). Cytogenetic location: 14q11.2.
Variant type: single nucleotide variant.
Coding change: c.2012G>A on transcript NM_000257.4 (MANE Select); coding-DNA position 2012, G replaced by A.
Protein change: p.Arg671His; replaces arginine 671 with histidine.
Molecular consequence: missense variant.
Genome position (GRCh38, 1-based): chr14:23,426,809, C>T on the plus strand (G>A on the coding strand, the complement: MYH7 is on the minus strand). VCF-style: chr14-23426809-C-T. GRCh37 (hg19) VCF-style: chr14-23896018-C-T.
Other names: p.R671H:CGT>CAT; c.2012G>A (LRG_384t1); short protein forms R671H.
Identifiers: ClinVar variation 181357 (VCV000181357.16), dbSNP rs730880883, ClinGen allele CA011568.

ClinVar aggregate classification (germline): Conflicting classifications of pathogenicity. Review status: criteria provided, conflicting classifications (1 of 4 stars). 6 submissions from 6 submitters: Pathogenic (2); Likely pathogenic (3); Uncertain significance (1). Last evaluated 2024-11-01.

Conditions:
Cardiovascular phenotype. Identifiers: MedGen CN230736.
Dilated cardiomyopathy 1S (CMD1S). Identifiers: Orphanet 154, Orphanet 54260, MedGen C1834481, MONDO:0013262, OMIM 613426.
Myopathy, myosin storage, autosomal recessive (CMYO7B). Also called: CONGENITAL MYOPATHY 7B, MYOSIN STORAGE, AUTOSOMAL RECESSIVE. Identifiers: Orphanet 636970, MedGen C1850709, MONDO:0009708, OMIM 255160.
MYH7-related skeletal myopathy. Also called: Laing distal myopathy; MYOPATHY, DISTAL, EARLY-ONSET, AUTOSOMAL DOMINANT; MYOPATHY, LATE DISTAL HEREDITARY; Myopathy, distal, 1; Laing early-onset distal myopathy. Identifiers: Orphanet 59135, MedGen C4552004, MONDO:0008050, OMIM 160500.
Hypertrophic cardiomyopathy 1 (CMH1). Also called: MYH7-Related Familial Hypertrophic Cardiomyopathy; Familial hypertrophic cardiomyopathy 1. Identifiers: MedGen C3495498, MONDO:0008647, OMIM 192600.
Myosin storage myopathy (CMYO7A). Also called: Scapuloperoneal myopathy, MYH7-related; MYOPATHY WITH LYSIS OF TYPE I MYOFIBRILS; SCAPULOPERONEAL MUSCULAR DYSTROPHY; SCAPULOPERONEAL SYNDROME, MYOPATHIC TYPE; MYH7-related late-onset scapuloperoneal muscular dystrophy; Congenital myopathy 7A, myosin storage, autosomal dominant. Identifiers: Orphanet 437572, Orphanet 636965, MedGen C1842160, MONDO:0008409, OMIM 608358.
Hypertrophic cardiomyopathy. Also called: HYPERTROPHIC MYOCARDIOPATHY. Identifiers: Orphanet 217569, MedGen C0007194, MeSH D002312, MONDO:0005045, HP:0001639.

Allele frequency attached by ClinVar (database versions not stated): gnomAD exomes below 0.00001.
gnomAD v4.1: 2 of 1,614,088 alleles (0.00012%); highest among the groups gnomAD compares: Non-Finnish European, 0.00017%; no homozygotes.

Submissions (6):

GeneDx
Classification: Likely pathogenic. Last evaluated: 2024-11-01. Review status: criteria provided, single submitter. Criteria: GeneDx Variant Classification Process June 2021. Collection method: clinical testing. Allele origin: germline. Affected: yes.
Comment: p.Arg671His (CGT>CAT): c.2012 G>A in exon 18 of the MYH7 gene (NM_000257.2). A variant of unknown significance has been identified in the MYH7 gene. The R671H variant has not been published as a mutation, nor has it been reported as a benign polymorphism to our knowledge. The R671H variant was not observed in approximately 6,500 individuals of European and African American ancestry in the NHLBI Exome Sequencing Project, indicating it is not a common benign variant in these populations. In silico analysis predicts this variant is probably damaging to the protein structure/function. Furthermore, missense mutations in the same residue (R671C) and in nearby residues (R663S, R663H, H668N) have been reported in association with cardiomyopathy, supporting the functional importance of this residue and this region of the protein. However, R671H is a conservative amino acid substitution, which is not likely to impact secondary protein structure as these residues share similar properties. Therefore, based on the currently available information, it is unclear whether this variant is a pathogenic mutation or a rare benign variant. The variant is found in HCM panel(s).

Ambry Genetics
Classification: Likely pathogenic for Cardiovascular phenotype. Last evaluated: 2024-09-18. Review status: criteria provided, single submitter. Criteria: Ambry Variant Classification Scheme 2023. Collection method: clinical testing. Allele origin: germline.
Comment: The p.R671H variant (also known as c.2012G>A), located in coding exon 16 of the MYH7 gene, results from a G to A substitution at nucleotide position 2012. The arginine at codon 671 is replaced by histidine, an amino acid with highly similar properties. This alteration is located in the myosin head domain, which contains a statistically significant clustering of pathogenic missense variants (Homburger JR et al. Proc Natl Acad Sci U S A, 2016 06;113:6701-6; Walsh R et al. Genet Med, 2017 02;19:192-203; Ambry internal data). This alteration has been reported in individuals with hypertrophic cardiomyopathy (HCM) (Wang J et al. Eur J Heart Fail, 2014 Sep;16:950-7; Bagnall RD et al. Circ Genom Precis Med, 2022 Dec;15:e003686). This variant is considered to be rare based on population cohorts in the Genome Aggregation Database (gnomAD). This amino acid position is highly conserved in available vertebrate species. In addition, this alteration is predicted to be deleterious by in silico analysis. Based on the majority of available evidence to date, this variant is likely to be pathogenic.

Labcorp Genetics (formerly Invitae), Labcorp
Classification: Pathogenic for Hypertrophic cardiomyopathy. Last evaluated: 2024-04-17. Review status: criteria provided, single submitter. Criteria: Invitae Variant Classification Sherloc (09022015). Collection method: clinical testing. Allele origin: germline.
Comment: This sequence change replaces arginine, which is basic and polar, with histidine, which is basic and polar, at codon 671 of the MYH7 protein (p.Arg671His). This variant is not present in population databases (gnomAD no frequency). This missense change has been observed in individuals with hypertrophic cardiomyopathy (PMID: 25132132; Invitae). ClinVar contains an entry for this variant (Variation ID: 181357). Advanced modeling of protein sequence and biophysical properties (such as structural, functional, and spatial information, amino acid conservation, physicochemical variation, residue mobility, and thermodynamic stability) performed at Invitae indicates that this missense variant is expected to disrupt MYH7 protein function with a positive predictive value of 95%. This variant disrupts the p.Arg671 amino acid residue in MYH7. Other variant(s) that disrupt this residue have been determined to be pathogenic (PMID: 12707239, 12820698, 25132132, 27532257; Invitae). This suggests that this residue is clinically significant, and that variants that disrupt this residue are likely to be disease-causing. For these reasons, this variant has been classified as Pathogenic.

3billion
Classification: Pathogenic for Hypertrophic cardiomyopathy 1. Last evaluated: 2024-01-11. Review status: criteria provided, single submitter. Criteria: ACMG Guidelines, 2015. Collection method: clinical testing. Allele origin: germline. Affected: yes.
Comment: The variant is not observed in the gnomAD v2.1.1 dataset. Predicted Consequence/Location: The variant is located in a mutational hot spot and/or well-established functional domain in which established pathogenic variants have been reported (PMID: 29300372). In silico tool predictions suggest damaging effect of the variant on gene or gene product [REVEL: 0.94 (>=0.6, sensitivity 0.68 and specificity 0.92); 3Cnet: 1.00 (>=0.6, sensitivity 0.72 and precision 0.9)]. Same nucleotide change resulting in same amino acid change has been previously reported as pathogenic/likely pathogenic with strong evidence (ClinVar ID: VCV000181357 /PMID: 25132132 /3billion dataset). Different missense changes at the same codon (p.Arg671Cys, p.Arg671Pro) have been reported as pathogenic/likely pathogenic with strong evidence (ClinVar ID: VCV000164350, VCV001406156 /PMID: 12707239 /3billion dataset). Therefore, this variant is classified as Pathogenic according to the recommendation of ACMG/AMP guideline.

Stanford Center for Inherited Cardiovascular Disease, Stanford University
Classification: Uncertain significance. Last evaluated: 2016-11-09. Review status: criteria provided, single submitter. Criteria: ACMG Guidelines, 2015. Collection method: provider interpretation. Allele origin: germline.

Juno Genomics, Hangzhou Juno Genomics, Inc
Classification: Likely pathogenic for Dilated cardiomyopathy 1S; Hypertrophic cardiomyopathy 1; Myosin storage myopathy; Myopathy, myosin storage, autosomal recessive; MYH7-related skeletal myopathy. Review status: criteria provided, single submitter. Criteria: ACMG Guidelines, 2015. Collection method: clinical testing. Allele origin: germline. Affected: yes.
Comment: Absent from controls (or at extremely low frequency if recessive) in Genome Aggregation Database.;Multiple lines of computational evidence support a deleterious effect on the gene or gene product.;The prevalence of the variant in affected individuals is significantly increased compared to the prevalence in controls.;Located in a mutational hot spot and/or critical and well-established functional domain without benign variation.

Literature cited by the submitters: PubMed 25132132 (cited by 3 submitters); PubMed 36252119 (cited by Ambry Genetics); PubMed 12707239 (cited by Labcorp Genetics (formerly Invitae), Labcorp and 3billion); PubMed 12820698 (cited by Labcorp Genetics (formerly Invitae), Labcorp); PubMed 27532257 (cited by Labcorp Genetics (formerly Invitae), Labcorp).